The following is an entry in ClinVar:

ClinVar aggregate classification (germline): Uncertain significance (1 of 4 stars; one submission).

Conditions:
Leukodystrophy, hypomyelinating, 18. Identifiers: MedGen C5193078, MONDO:0032730, OMIM 618404.

Submission:

3billion
Classification: Uncertain significance for Leukodystrophy, hypomyelinating, 18. Last evaluated: 2025-09-02. Review status: criteria provided, single submitter. Criteria: ACMG Guidelines, 2015. Collection method: clinical testing. Allele origin: germline. Affected: yes.
Comment: The variant is observed at an extremely low frequency in the gnomAD v4.1.0 dataset (total allele frequency: <0.001%). Predicted Consequence/Location: Missense variant In silico tool predictions suggest damaging effect of the variant on gene or gene product [3Cnet: 0.85 (> 0.75, sensitivity 0.96 and precision 0.92)]. Therefore, this variant is classified as VUS according to the recommendation of ACMG/AMP guideline.

NM_003676.4(DEGS1):c.421G>A (p.Asp141Asn)

Gene: DEGS1 (delta 4-desaturase, sphingolipid 1; plus strand). Cytogenetic location: 1q42.11.
Variant type: single nucleotide variant.
Coding change: c.421G>A on transcript NM_003676.4 (MANE Select); coding-DNA position 421, G replaced by A.
Protein change: p.Asp141Asn; replaces aspartic acid 141 with asparagine.
Molecular consequence: missense variant.
Genome position (GRCh38, 1-based): chr1:224,189,915, G>A. VCF-style: chr1-224189915-G-A. GRCh37 (hg19) VCF-style: chr1-224377617-G-A.
Other names: c.421G>A, p.Asp141Asn (NM_001321541.2); c.313G>A, p.Asp105Asn (NM_001321542.2); short protein forms D105N, D141N.
Identifiers: ClinVar variation 4856381 (VCV004856381.1).